The following is an entry in ClinVar:

NM_000441.2(SLC26A4):c.2178del (p.Leu727fs)

Genes: SLC26A4 (solute carrier family 26 member 4; plus strand), LOC123956210 (Sharpr-MPRA regulatory region 3291; plus strand). Cytogenetic location: 7q22.3.
Variant type: Deletion.
Coding change: c.2178del on transcript NM_000441.2 (MANE Select); coding-DNA position 2178, one base deleted (A; older notation c.2178delA).
Protein change: p.Leu727fs; shifts the reading frame from leucine 727.
Molecular consequence: frameshift variant.
Genome position (GRCh38, 1-based): chr7:107,710,142, A deleted. VCF-style (leftmost placement, unchanged base first): chr7-107710141-TA-T. GRCh37 (hg19) VCF-style: chr7-107350586-TA-T.
Other names: short protein forms L727fs.
Identifiers: ClinVar variation 1360816 (VCV001360816.6), dbSNP rs2129319932, ClinGen allele CA2573141438.

ClinVar aggregate classification (germline): Pathogenic (1 of 4 stars; one submission).

Submission:

Labcorp Genetics (formerly Invitae), Labcorp
Classification: Pathogenic. Last evaluated: 2021-11-14. Review status: criteria provided, single submitter. Criteria: Invitae Variant Classification Sherloc (09022015). Collection method: clinical testing. Allele origin: germline.
Comment: For these reasons, this variant has been classified as Pathogenic. This variant has not been reported in the literature in individuals affected with SLC26A4-related conditions. This variant is not present in population databases (gnomAD no frequency). This sequence change creates a premature translational stop signal (p.Leu727Serfs*7) in the SLC26A4 gene. It is expected to result in an absent or disrupted protein product. Loss-of-function variants in SLC26A4 are known to be pathogenic (PMID: 16283880, 25394566, 26252218, 26445815).

Literature cited by the submitters: PubMed 16283880; PubMed 25394566; PubMed 26252218; PubMed 26445815.